The following is an entry in ClinVar:

NM_006206.6(PDGFRA):c.2722A>G (p.Lys908Glu)

Gene: PDGFRA (platelet derived growth factor receptor alpha; plus strand). Cytogenetic location: 4q12.
Variant type: single nucleotide variant.
Coding change: c.2722A>G on transcript NM_006206.6 (MANE Select); coding-DNA position 2722, A replaced by G.
Protein change: p.Lys908Glu; replaces lysine 908 with glutamic acid.
Molecular consequence: missense variant.
Genome position (GRCh38, 1-based): chr4:54,288,846, A>G. VCF-style: chr4-54288846-A-G. GRCh37 (hg19) VCF-style: chr4-55155013-A-G.
Other names: c.2797A>G, p.Lys933Glu (NM_001347828.2); c.2722A>G, p.Lys908Glu (NM_001347829.2); c.2761A>G, p.Lys921Glu (NM_001347830.2); short protein forms K908E, K921E, K933E.
Identifiers: ClinVar variation 574137 (VCV000574137.11), dbSNP rs1161645651, ClinGen allele CA356895505.
Genomic context (GRCh38, chr4:54,288,846, plus strand): 5'-GTTTGGCTTTTAGGTGGCACCCCTTACCCCGGCATGATGGTGGATTCTACTTTCTACAAT[A>G]AGATCAAGAGTGGGTACCGGATGGCCAAGCCTGACCACGCTACCAGTGAAGTGTGAGCTC-3'
Protein context (NP_006197.1, residues 898-918): GMMVDSTFYN[Lys908Glu]IKSGYRMAKP

ClinVar aggregate classification (germline): Uncertain significance. Review status: criteria provided, multiple submitters, no conflicts (2 of 4 stars). 2 submissions from 2 submitters: Uncertain significance (2). Last evaluated 2025-07-31.

Conditions:
Hereditary cancer-predisposing syndrome. Also called: Hereditary Cancer Syndrome; Tumor predisposition; Neoplastic Syndromes, Hereditary; Hereditary neoplastic syndrome. Identifiers: Orphanet 140162, MedGen C0027672, MeSH D009386, MONDO:0015356.
Gastrointestinal stromal tumor. Also called: Gastrointestinal stromal tumor, somatic; Gastrointestinal stroma tumor. Identifiers: Orphanet 44890, MedGen C0238198, MeSH D046152, MONDO:0011719, OMIM 606764, HP:0100723.

Submissions (2):

Labcorp Genetics (formerly Invitae), Labcorp
Classification: Uncertain significance for Gastrointestinal stromal tumor. Last evaluated: 2025-07-31. Review status: criteria provided, single submitter. Criteria: Invitae Variant Classification Sherloc (09022015). Collection method: clinical testing. Allele origin: germline.
Comment: This sequence change replaces lysine, which is basic and polar, with glutamic acid, which is acidic and polar, at codon 908 of the PDGFRA protein (p.Lys908Glu). This variant is not present in population databases (gnomAD no frequency). This variant has not been reported in the literature in individuals affected with PDGFRA-related conditions. ClinVar contains an entry for this variant (Variation ID: 574137). Invitae Evidence Modeling of protein sequence and biophysical properties (such as structural, functional, and spatial information, amino acid conservation, physicochemical variation, residue mobility, and thermodynamic stability) indicates that this missense variant is not expected to disrupt PDGFRA protein function with a negative predictive value of 80%. In summary, the available evidence is currently insufficient to determine the role of this variant in disease. Therefore, it has been classified as a Variant of Uncertain Significance.

Ambry Genetics
Classification: Uncertain significance for Hereditary cancer-predisposing syndrome. Last evaluated: 2024-04-22. Review status: criteria provided, single submitter. Criteria: Ambry Variant Classification Scheme 2023. Collection method: clinical testing. Allele origin: germline.
Comment: The p.K908E variant (also known as c.2722A>G), located in coding exon 19 of the PDGFRA gene, results from an A to G substitution at nucleotide position 2722. The lysine at codon 908 is replaced by glutamic acid, an amino acid with similar properties. This amino acid position is conserved. In addition, the in silico prediction for this alteration is inconclusive. Based on the available evidence, the clinical significance of this variant remains unclear.